The following is an entry in ClinVar:

NM_000533.5(PLP1):c.834A>G (p.Ter278Trp)

Genes: PLP1 (proteolipid protein 1; plus strand), RAB9B (RAB9B, member RAS oncogene family; minus strand). Cytogenetic location: Xq22.2.
Variant type: single nucleotide variant.
Coding change: c.834A>G on transcript NM_000533.5 (MANE Select); coding-DNA position 834, A replaced by G.
Protein change: p.Ter278Trp.
Molecular consequence: stop lost.
Genome position (GRCh38, 1-based): chrX:103,790,598, A>G. VCF-style: chrX-103790598-A-G. GRCh37 (hg19) VCF-style: chrX-103045526-A-G.
Other names: c.834A>G, p.Ter278Trp (NM_001128834.3); c.669A>G, p.Ter223Trp (NM_001305004.1); c.729A>G, p.Ter243Trp (NM_199478.3).
Identifiers: ClinVar variation 3255459 (VCV003255459.2), dbSNP rs2522328650.

ClinVar aggregate classification (germline): Likely pathogenic (1 of 4 stars; one submission).

Conditions:
Pelizaeus-Merzbacher disease. Also called: LEUKODYSTROPHY, HYPOMYELINATING, 1; Sudanophilic leukodystrophy; Pelizaeus-Merzbacher spectrum disorder; Pelizaeus-Merzbacher Disease (PMD); Pelizeaus-Merzbacher spectrum disorder. Identifiers: Orphanet 702, MedGen C0205711, MONDO:0010714, OMIM 312080, HP:0003269.

Submission:

Molecular Diagnostics Lab, Nemours Children's Health, Delaware
Classification: Likely pathogenic for Pelizaeus-Merzbacher disease. Last evaluated: 2022-02-25. Review status: criteria provided, single submitter. Criteria: ACMG Guidelines, 2015. Collection method: clinical testing. Allele origin: maternal, unknown. Inheritance: X-linked inheritance. Affected: yes and no. Observed: 3 heterozygotes, 4 hemizygotes.
Comment: This variant (c.834A>T, p.*278Trpext*14) occurs at the last nucleotide of coding exon 7, and has not been observed in population databases (gnomAD). It has been described in the literature (PMID24139698, PMID 25156430). No functional studies have not been reported. It has been found in 4 affected males across 2 generations in a single family.

Literature cited by the submitters: PubMed 25156430; PubMed 24139698.